The following is an entry in ClinVar:

NR_003051.3(RMRP):n.-18_-9dupCTGTGAAGCT

Gene: RMRP (RNA component of mitochondrial RNA processing endoribonuclease; minus strand). Cytogenetic location: 9p13.3.
Variant type: Duplication.
Genome position: GRCh38 VCF-style: chr9-35658026-C-CAGCTTCACAG. GRCh37 (hg19) VCF-style: chr9-35658023-C-CAGCTTCACAG.
Identifiers: ClinVar variation 555514 (VCV000555514.10), dbSNP rs1554651481, ClinGen allele CA658821605.

ClinVar aggregate classification (germline): Pathogenic/Likely pathogenic. Review status: criteria provided, multiple submitters, no conflicts (2 of 4 stars). 3 submissions from 3 submitters: Pathogenic (1); Likely pathogenic (1). 1 of the submissions does not count toward it. Last evaluated 2026-01-19.

Conditions:
Anauxetic dysplasia. Identifiers: Orphanet 93347, MedGen C1846796, MONDO:0011773.
Metaphyseal chondrodysplasia, McKusick type (CHH). Also called: Cartilage-hair hypoplasia; Cartilage-Hair Hypoplasia (CHH). Identifiers: Orphanet 175, MedGen C0220748, MONDO:0009595, OMIM 250250.

Submissions (3):

Labcorp Genetics (formerly Invitae), Labcorp
Classification: Pathogenic for Anauxetic dysplasia. Last evaluated: 2026-01-19. Review status: criteria provided, single submitter. Criteria: Invitae Variant Classification Sherloc (09022015). Collection method: clinical testing. Allele origin: germline.
Comment: This variant occurs in the RMRP gene, which encodes an RNA molecule that does not result in a protein product. This variant is not present in population databases (gnomAD no frequency). While this particular variant has not been reported in the literature, it is located in the promoter region between the TATA box and the transcription initiation site, and other insertions and duplications immediately upstream of the coding sequence have been reported in individuals affected with cartilage-hair hypoplasia-anauxetic dysplasia (CHH-AD) spectrum disorders (PMID: 16244706, 11207361, 12107819). While functional studies for this variant have not been reported, experimental analyses using patient derived cells, as well as in vitro transfection studies, have shown that promoter insertions result in silencing of RMRP transcription and reduced expression of the gene product (PMID: 11207361, 16254002). For these reasons, this variant has been classified as Pathogenic.

Natera, Inc.
Classification: Likely pathogenic for Cartilage-hair hypoplasia. Last evaluated: 2025-08-26. Review status: criteria provided, single submitter. Criteria: Natera Variant Classification Schema (03/2026). Collection method: clinical testing. Allele origin: germline.
Comment: The n.-18_-9dupCTGTGAAGCT variant in RMRP is a duplication affecting the RMRP promoter region between the TATA box and the transcription initiation site. Other duplications and insertions just upstream of the transcription initiation site have been reported in individuals affected with cartilage-hair hypoplasia (PMID: 11207361, 17937437). This variant is rare in the general population with a frequency below the threshold expected for the associated phenotype(s). Given the available evidence, this variant is classified as Likely pathogenic.

Counsyl
Classification: Likely pathogenic for Metaphyseal chondrodysplasia, McKusick type. Last evaluated: 2017-12-11. Review status: no assertion criteria provided. Collection method: clinical testing. Allele origin: unknown. Not counted in ClinVar's aggregate classification.

Literature cited by the submitters: PubMed 16244706 (cited by Labcorp Genetics (formerly Invitae), Labcorp); PubMed 11207361 (cited by Labcorp Genetics (formerly Invitae), Labcorp and Natera, Inc.); PubMed 12107819 (cited by Labcorp Genetics (formerly Invitae), Labcorp); PubMed 16254002 (cited by Labcorp Genetics (formerly Invitae), Labcorp); PubMed 17937437 (cited by Natera, Inc.).